The following is an entry in ClinVar:

NM_014855.3(AP5Z1):c.1732C>T (p.Gln578Ter)

Gene: AP5Z1 (adaptor related protein complex 5 subunit zeta 1; plus strand). Cytogenetic location: 7p22.1.
Variant type: single nucleotide variant.
Coding change: c.1732C>T on transcript NM_014855.3 (MANE Select); coding-DNA position 1732, C replaced by T.
Protein change: p.Gln578Ter; replaces glutamine 578 with a stop codon.
Molecular consequence: nonsense. On other transcripts: non-coding transcript variant (1).
Genome position (GRCh38, 1-based): chr7:4,789,856, C>T. VCF-style: chr7-4789856-C-T. GRCh37 (hg19) VCF-style: chr7-4829487-C-T.
Other names: c.1732C>T, p.Gln578Ter (LRG_1247t1); c.1264C>T, p.Gln422Ter (NM_001364858.1); short protein forms Q578*, Q422*.
Identifiers: ClinVar variation 375316 (VCV000375316.3), dbSNP rs1057519342, ClinGen allele CA16044055.
Genomic context (GRCh38, chr7:4,789,856, plus strand): 5'-GTGGGGCTGAGCCTGTTTCCCACTCCTGACCCCCAGGTGGCTGACGGGTCCCTGATCAAC[C>T]AGCTGGCGCTGCTGCTCCTGGGCAGGAGCGACTCGCTCTACCCGGCCCCAGGGTACGCTG-3'

ClinVar aggregate classification (germline): Pathogenic. Review status: criteria provided, multiple submitters, no conflicts (2 of 4 stars). 3 submissions from 3 submitters: Pathogenic (2). 1 of the submissions does not count toward it. Last evaluated 2025-03-06.

Conditions:
Retinal dystrophy. Also called: Inherited retinal dystrophy. Identifiers: Orphanet 71862, MedGen C0854723, MeSH D058499, MONDO:0019118, HP:0000556.
Hereditary spastic paraplegia 48. Also called: Spastic paraplegia 48; SPASTIC PARAPLEGIA 48, AUTOSOMAL RECESSIVE. Identifiers: Orphanet 306511, MedGen C3150901, MONDO:0013342, OMIM 613647.

Submissions (3):

GeneDx
Classification: Pathogenic. Last evaluated: 2025-03-06. Review status: criteria provided, single submitter. Criteria: GeneDx Variant Classification Process June 2021. Collection method: clinical testing. Allele origin: germline. Affected: yes.
Comment: Nonsense variant predicted to result in protein truncation or nonsense mediated decay in a gene for which loss of function is a known mechanism of disease; Not observed at significant frequency in large population cohorts (gnomAD); This variant is associated with the following publications: (PMID: 39059408, 26085577, 37077568, 27606357)

Institute of Human Genetics, Univ. Regensburg, Univ. Regensburg
Classification: Pathogenic for Retinal dystrophy. Last evaluated: 2021-01-01. Review status: criteria provided, single submitter. Criteria: ACMG Guidelines, 2015. Collection method: clinical testing. Allele origin: germline. Affected: yes.

OMIM
Classification: Pathogenic for SPASTIC PARAPLEGIA 48, AUTOSOMAL RECESSIVE. Last evaluated: 2017-01-26. Review status: no assertion criteria provided. Collection method: literature only. Allele origin: germline. Not counted in ClinVar's aggregate classification.

Literature cited by the submitters: PubMed 27606357 (cited by Institute of Human Genetics, Univ. Regensburg, Univ. Regensburg); PubMed 26085577 (cited by OMIM).